The following is an entry in ClinVar:

ClinVar aggregate classification (germline): Likely pathogenic. Review status: criteria provided, multiple submitters, no conflicts (2 of 4 stars). 3 submissions from 3 submitters: Likely pathogenic (2). 1 of the submissions does not count toward it. Last evaluated 2024-05-05.

Conditions:
Muscular dystrophy, limb-girdle, autosomal recessive 23. Identifiers: Orphanet 565837, MedGen C4748327, MONDO:0029136, OMIM 618138.
Merosin deficient congenital muscular dystrophy (MDC1A). Also called: Congenital Muscular Dystrophy Type 1A (MDC1A); Congenital merosin-deficient muscular dystrophy 1A. Identifiers: Orphanet 258, MedGen C1263858, MONDO:0011925, OMIM 607855.
LAMA2-related muscular dystrophy (LAMA2-RD). Also called: Laminin alpha 2-related dystrophy. Identifiers: MedGen C5679788, MONDO:0100228.

Submissions (3):

Fulgent Genetics
Classification: Likely pathogenic for Merosin deficient congenital muscular dystrophy; Muscular dystrophy, limb-girdle, autosomal recessive 23. Last evaluated: 2024-05-05. Review status: criteria provided, single submitter. Criteria: ACMG Guidelines, 2015. Collection method: clinical testing. Allele origin: germline.

Labcorp Genetics (formerly Invitae), Labcorp
Classification: Likely pathogenic for LAMA2-related muscular dystrophy. Last evaluated: 2021-12-14. Review status: criteria provided, single submitter. Criteria: Invitae Variant Classification Sherloc (09022015). Collection method: clinical testing. Allele origin: germline.
Comment: ClinVar contains an entry for this variant (Variation ID: 554566). Disruption of this splice site has been observed in individual(s) with clinical features of LAMA2-related conditions (PMID: 32528171). This variant is not present in population databases (gnomAD no frequency). This sequence change affects a donor splice site in intron 32 of the LAMA2 gene. It is expected to disrupt RNA splicing. Variants that disrupt the donor or acceptor splice site typically lead to a loss of protein function (PMID: 16199547), and loss-of-function variants in LAMA2 are known to be pathogenic (PMID: 18700894, 32904964). Algorithms developed to predict the effect of sequence changes on RNA splicing suggest that this variant may disrupt the consensus splice site. In summary, the currently available evidence indicates that the variant is pathogenic, but additional data are needed to prove that conclusively. Therefore, this variant has been classified as Likely Pathogenic.

Counsyl
Classification: Likely pathogenic for Merosin deficient congenital muscular dystrophy. Last evaluated: 2017-10-25. Review status: no assertion criteria provided. Collection method: clinical testing. Allele origin: unknown. Not counted in ClinVar's aggregate classification.

Literature cited by the submitters: PubMed 32528171 (cited by Labcorp Genetics (formerly Invitae), Labcorp); PubMed 16199547 (cited by Labcorp Genetics (formerly Invitae), Labcorp); PubMed 18700894 (cited by Labcorp Genetics (formerly Invitae), Labcorp); PubMed 32904964 (cited by Labcorp Genetics (formerly Invitae), Labcorp).

NM_000426.4(LAMA2):c.4717+1G>C

Gene: LAMA2 (laminin subunit alpha 2; plus strand). Cytogenetic location: 6q22.33.
Variant type: single nucleotide variant.
Coding change: c.4717+1G>C on transcript NM_000426.4 (MANE Select); the canonical splice donor site of the intron after coding-DNA position 4717, G replaced by C.
Molecular consequence: splice donor variant.
Genome position (GRCh38, 1-based): chr6:129,353,358, G>C. VCF-style: chr6-129353358-G-C. GRCh37 (hg19) VCF-style: chr6-129674503-G-C.
Other names: c.4717+1G>C (NM_001079823.2).
Identifiers: ClinVar variation 554566 (VCV000554566.8), dbSNP rs1131691660, ClinGen allele CA365618952.